The following is an entry in ClinVar:

NM_007194.4(CHEK2):c.1408_1461+209del

Gene: CHEK2 (checkpoint kinase 2; minus strand). Cytogenetic location: 22q12.1.
Variant type: Deletion.
Coding change: c.1408_1461+209del on transcript NM_007194.4 (MANE Select); coding-DNA position 1408 through 209 bases into the intron after coding-DNA position 1461, 263 bases deleted.
Molecular consequence: splice donor variant.
Genome position (GRCh38, 1-based): chr22:28,693,823-28,694,085, 263 bases deleted. GRCh37 (hg19): chr22:29,089,815-29,090,077.
Other names: c.745_798+209del (NM_001437942.1, NM_001257387.3); c.1207_1260+209del (NM_001349956.3); c.1321_1374+209del (NM_145862.3); c.1414_1467+209del (NM_001438295.1); c.1501_1554+209del (NM_001438293.1); c.1450_1503+209del (NM_001438294.1); c.1537_1590+209del (NM_001005735.3).
Identifiers: ClinVar variation 1771939 (VCV001771939.2), dbSNP rs2517784498, ClinGen allele CA2580099356.

ClinVar aggregate classification (germline): Likely pathogenic (1 of 4 stars; one submission).

Conditions:
Hereditary cancer-predisposing syndrome. Also called: Hereditary Cancer Syndrome; Hereditary neoplastic syndrome; Neoplastic Syndromes, Hereditary; Tumor predisposition. Identifiers: Orphanet 140162, MedGen C0027672, MeSH D009386, MONDO:0015356.

Submission:

Ambry Genetics
Classification: Likely pathogenic for Hereditary cancer-predisposing syndrome. Last evaluated: 2022-02-16. Review status: criteria provided, single submitter. Criteria: Ambry Variant Classification Scheme 2023. Collection method: clinical testing. Allele origin: germline.
Comment: The c.1408_1461+209del263 gross deletion includes at least a portion of coding exon 12 and involves the canonical splice donor site after coding exon 12 of the CHEK2 gene. The canonical splice donor site is highly conserved in available vertebrate species. Alterations that disrupt the canonical splice site are expected to cause aberrant splicing, resulting in an abnormal protein or a transcript that is subject to nonsense-mediated mRNA decay; however, direct evidence is insufficient at this time (Ambry internal data). As such, this alteration is classified as likely pathogenic.